The following is an entry in ClinVar:

NM_058216.3(RAD51C):c.228T>A (p.Ala76=)

Gene: RAD51C (RAD51 paralog C; plus strand). Cytogenetic location: 17q22.
Variant type: single nucleotide variant.
Coding change: c.228T>A on transcript NM_058216.3 (MANE Select); coding-DNA position 228, T replaced by A.
Protein change: p.Ala76=; no amino-acid change (alanine 76 retained).
Molecular consequence: synonymous variant. On other transcripts: non-coding transcript variant (2).
Genome position (GRCh38, 1-based): chr17:58,695,013, T>A. VCF-style: chr17-58695013-T-A. GRCh37 (hg19) VCF-style: chr17-56772374-T-A.
Other names: c.228T>A, p.Ala76= (NM_002876.4).
Identifiers: ClinVar variation 4699551 (VCV004699551.1).

ClinVar aggregate classification (germline): Uncertain significance (1 of 4 stars; one submission).

Conditions:
Fanconi anemia complementation group O. Also called: RAD51C-Related Fanconi Anemia. Identifiers: Orphanet 84, MedGen C3150653, MONDO:0013248, OMIM 613390.

Submission:

Labcorp Genetics (formerly Invitae), Labcorp
Classification: Uncertain significance for Fanconi anemia complementation group O. Last evaluated: 2025-02-09. Review status: criteria provided, single submitter. Criteria: Invitae Variant Classification Sherloc (09022015). Collection method: clinical testing. Allele origin: germline.
Comment: This sequence change affects codon 76 of the RAD51C mRNA. It is a 'silent' change, meaning that it does not change the encoded amino acid sequence of the RAD51C protein. This variant is not present in population databases (gnomAD no frequency). This variant has not been reported in the literature in individuals affected with RAD51C-related conditions. Algorithms developed to predict the effect of sequence changes on RNA splicing suggest that this variant may create or strengthen a splice site. In summary, the available evidence is currently insufficient to determine the role of this variant in disease. Therefore, it has been classified as a Variant of Uncertain Significance.